The following is an entry in ClinVar:

ClinVar aggregate classification (germline): Uncertain significance. Review status: criteria provided, multiple submitters, no conflicts (2 of 4 stars). 4 submissions from 4 submitters: Uncertain significance (4). Last evaluated 2024-04-20.

Conditions:
Erythrokeratodermia variabilis et progressiva 6. Identifiers: MedGen C5193144, MONDO:0032801, OMIM 618531.
Progressive familial heart block type IB (PFHB1B). Identifiers: Orphanet 871, MedGen C1970298, MONDO:0011474, OMIM 604559.
Cardiovascular phenotype. Identifiers: MedGen CN230736.

Allele frequency attached by ClinVar (database versions not stated): gnomAD 0.00003; TOPMed 0.00003.
gnomAD v4.1: 5 of 1,602,972 alleles (0.00031%); highest among the groups gnomAD compares: African/African-American, 0.0053%; no homozygotes.

Submissions (4):

Labcorp Genetics (formerly Invitae), Labcorp
Classification: Uncertain significance for Progressive familial heart block type IB. Last evaluated: 2024-04-20. Review status: criteria provided, single submitter. Criteria: Invitae Variant Classification Sherloc (09022015). Collection method: clinical testing. Allele origin: germline.
Comment: This sequence change replaces tryptophan, which is neutral and slightly polar, with leucine, which is neutral and non-polar, at codon 1188 of the TRPM4 protein (p.Trp1188Leu). This variant is present in population databases (no rsID available, gnomAD 0.05%). This variant has not been reported in the literature in individuals affected with TRPM4-related conditions. ClinVar contains an entry for this variant (Variation ID: 424216). An algorithm developed to predict the effect of missense changes on protein structure and function (PolyPhen-2) suggests that this variant is likely to be disruptive. In summary, the available evidence is currently insufficient to determine the role of this variant in disease. Therefore, it has been classified as a Variant of Uncertain Significance.

Ambry Genetics
Classification: Uncertain significance for Cardiovascular phenotype. Last evaluated: 2024-03-13. Review status: criteria provided, single submitter. Criteria: Ambry Variant Classification Scheme 2023. Collection method: clinical testing. Allele origin: germline.
Comment: The p.W1188L variant (also known as c.3563G>T), located in coding exon 24 of the TRPM4 gene, results from a G to T substitution at nucleotide position 3563. The tryptophan at codon 1188 is replaced by leucine, an amino acid with similar properties. This amino acid position is well conserved in available vertebrate species. In addition, this alteration is predicted to be tolerated by in silico analysis. Since supporting evidence is limited at this time, the clinical significance of this alteration remains unclear.

Fulgent Genetics
Classification: Uncertain significance for Progressive familial heart block type IB; Erythrokeratodermia variabilis et progressiva 6. Last evaluated: 2021-12-28. Review status: criteria provided, single submitter. Criteria: ACMG Guidelines, 2015. Collection method: clinical testing. Allele origin: unknown.

GeneDx
Classification: Uncertain significance. Last evaluated: 2021-09-01. Review status: criteria provided, single submitter. Criteria: GeneDx Variant Classification Process June 2021. Collection method: clinical testing. Allele origin: germline. Affected: yes.
Comment: Has not been previously published as pathogenic or benign to our knowledge; In silico analysis supports that this missense variant has a deleterious effect on protein structure/function

NM_017636.4(TRPM4):c.3563G>T (p.Trp1188Leu)

Gene: TRPM4 (transient receptor potential cation channel subfamily M member 4; plus strand). Cytogenetic location: 19q13.33.
Variant type: single nucleotide variant.
Coding change: c.3563G>T on transcript NM_017636.4 (MANE Select); coding-DNA position 3563, G replaced by T.
Protein change: p.Trp1188Leu; replaces tryptophan 1188 with leucine.
Molecular consequence: missense variant.
Genome position (GRCh38, 1-based): chr19:49,211,192, G>T. VCF-style: chr19-49211192-G-T. GRCh37 (hg19) VCF-style: chr19-49714449-G-T.
Other names: c.3128G>T, p.Trp1043Leu (NM_001195227.2); c.3218G>T, p.Trp1073Leu (NM_001321281.2); c.1955G>T, p.Trp652Leu (NM_001321282.2); c.3041G>T, p.Trp1014Leu (NM_001321283.2); c.2501G>T, p.Trp834Leu (NM_001321285.2); short protein forms W1188L, W652L, W1014L, W1043L, W1073L, W834L.
Identifiers: ClinVar variation 424216 (VCV000424216.15), dbSNP rs1064796865, ClinGen allele CA16620870.